The following is an entry in ClinVar:

ClinVar aggregate classification (germline): Likely benign (1 of 4 stars; one submission).

Submission:

GeneDx
Classification: Likely benign. Last evaluated: 2016-10-11. Review status: criteria provided, single submitter. Criteria: GeneDx Variant Classification (06012015). Collection method: clinical testing. Allele origin: germline. Affected: yes.
Comment: This variant is considered likely benign or benign based on one or more of the following criteria: it is a conservative change, it occurs at a poorly conserved position in the protein, it is predicted to be benign by multiple in silico algorithms, and/or has population frequency not consistent with disease.

NM_001378454.1(ALMS1):c.1433-9_1433-8insCTT

Gene: ALMS1 (ALMS1 centrosome and basal body associated protein; plus strand). Cytogenetic location: 2p13.1.
Variant type: Insertion.
Coding change: c.1433-9_1433-8insCTT on transcript NM_001378454.1 (MANE Select); 9 bases into the intron before coding-DNA position 1433 through 8 bases into the intron before coding-DNA position 1433, CTT inserted.
Molecular consequence: intron variant.
Genome position: GRCh38 VCF-style: chr2-73447949-T-TTTC. GRCh37 (hg19) VCF-style: chr2-73675079-T-TTTC.
Other names: c.1433-9_1433-8insCTT (NM_015120.4); c.1436-9_1436-8insCTT (NM_015120.4).
Identifiers: ClinVar variation 422456 (VCV000422456.1), dbSNP rs1064795791, ClinGen allele CA16617757.
Genomic context (GRCh38, chr2:73,447,949, plus strand): 5'-GCTTTTTTCCAGCACATAGAATTTTAAAATAGAAAATTTTATATACTATTAACAAATCTC[T>TTTC]TTTTCTTTAGGAGACACTTCTAAAGGAGGCATAGCTAAAGTTACTCAATCCAACTTGAAG-3'